The following is an entry in ClinVar:

ClinVar aggregate classification (germline): Uncertain significance. Review status: criteria provided, multiple submitters, no conflicts (2 of 4 stars). 2 submissions from 2 submitters: Uncertain significance (2). Last evaluated 2025-12-29.

Conditions:
Hereditary cancer-predisposing syndrome. Also called: Hereditary Cancer Syndrome; Hereditary neoplastic syndrome; Tumor predisposition; Neoplastic Syndromes, Hereditary. Identifiers: Orphanet 140162, MedGen C0027672, MeSH D009386, MONDO:0015356.

gnomAD v4.1: 7 of 1,612,284 alleles (0.00043%); highest among the groups gnomAD compares: South Asian, 0.0044%; no homozygotes.

Submissions (2):

Center for Genomic Medicine, Rigshospitalet, Copenhagen University Hospital
Classification: Uncertain significance. Last evaluated: 2025-12-29. Review status: criteria provided, single submitter. Criteria: ACMG Guidelines, 2015. Collection method: clinical testing. Allele origin: germline.

Ambry Genetics
Classification: Uncertain significance for Hereditary cancer-predisposing syndrome. Last evaluated: 2021-01-12. Review status: criteria provided, single submitter. Criteria: Ambry Variant Classification Scheme 2023. Collection method: clinical testing. Allele origin: germline.
Comment: The p.P783S variant (also known as c.2347C>T), located in coding exon 17 of the MSH3 gene, results from a C to T substitution at nucleotide position 2347. The proline at codon 783 is replaced by serine, an amino acid with similar properties. This amino acid position is highly conserved in available vertebrate species. In addition, this alteration is predicted to be deleterious by in silico analysis. Since supporting evidence is limited at this time, the clinical significance of this alteration remains unclear.

NM_002439.5(MSH3):c.2347C>T (p.Pro783Ser)

Gene: MSH3 (mutS homolog 3; plus strand). Cytogenetic location: 5q14.1.
Variant type: single nucleotide variant.
Coding change: c.2347C>T on transcript NM_002439.5 (MANE Select); coding-DNA position 2347, C replaced by T.
Protein change: p.Pro783Ser; replaces proline 783 with serine.
Molecular consequence: missense variant.
Genome position (GRCh38, 1-based): chr5:80,778,748, C>T. VCF-style: chr5-80778748-C-T. GRCh37 (hg19) VCF-style: chr5-80074567-C-T.
Other names: short protein forms P783S.
Identifiers: ClinVar variation 1789938 (VCV001789938.3), dbSNP rs778848549, ClinGen allele CA360281757.